The following is an entry in ClinVar:

NM_002788.4(PSMA3):c.469G>A (p.Val157Ile)

Gene: PSMA3 (proteasome 20S subunit alpha 3; plus strand). Cytogenetic location: 14q23.1.
Variant type: single nucleotide variant.
Coding change: c.469G>A on transcript NM_002788.4 (MANE Select); coding-DNA position 469, G replaced by A.
Protein change: p.Val157Ile; replaces valine 157 with isoleucine.
Molecular consequence: missense variant. On other transcripts: non-coding transcript variant (1).
Genome position (GRCh38, 1-based): chr14:58,261,012, G>A. VCF-style: chr14-58261012-G-A. GRCh37 (hg19) VCF-style: chr14-58727730-G-A.
Other names: c.448G>A, p.Val150Ile (NM_152132.3); short protein forms V157I, V150I.
Identifiers: ClinVar variation 2971637 (VCV002971637.3), dbSNP rs1290553923, ClinGen allele CA389849973.

ClinVar aggregate classification (germline): Uncertain significance (1 of 4 stars; one submission).

Allele frequency attached by ClinVar (database versions not stated): gnomAD 0.00001; gnomAD exomes 0.00001; TOPMed 0.00001.
gnomAD v4.1: 14 of 1,601,370 alleles (0.00087%); highest among the groups gnomAD compares: African/African-American, 0.0013%; no homozygotes.

Submission:

Labcorp Genetics (formerly Invitae), Labcorp
Classification: Uncertain significance. Last evaluated: 2023-08-19. Review status: criteria provided, single submitter. Criteria: Invitae Variant Classification Sherloc (09022015). Collection method: clinical testing. Allele origin: germline.
Comment: In summary, the available evidence is currently insufficient to determine the role of this variant in disease. Therefore, it has been classified as a Variant of Uncertain Significance. Algorithms developed to predict the effect of sequence changes on RNA splicing suggest that this variant may create or strengthen a splice site. An algorithm developed to predict the effect of missense changes on protein structure and function (PolyPhen-2) suggests that this variant is likely to be tolerated. This variant has not been reported in the literature in individuals affected with PSMA3-related conditions. This variant is present in population databases (no rsID available, gnomAD 0.004%). This sequence change replaces valine, which is neutral and non-polar, with isoleucine, which is neutral and non-polar, at codon 157 of the PSMA3 protein (p.Val157Ile).